The following is an entry in ClinVar:

NM_000093.5(COL5A1):c.4693C>T (p.Pro1565Ser)

Genes: COL5A1 (collagen type V alpha 1 chain; plus strand), LOC101448202 (uncharacterized LOC101448202; minus strand). Cytogenetic location: 9q34.3.
Variant type: single nucleotide variant.
Coding change: c.4693C>T on transcript NM_000093.5 (MANE Select); coding-DNA position 4693, C replaced by T.
Protein change: p.Pro1565Ser; replaces proline 1565 with serine.
Molecular consequence: missense variant.
Genome position (GRCh38, 1-based): chr9:134,823,464, C>T. VCF-style: chr9-134823464-C-T. GRCh37 (hg19) VCF-style: chr9-137715310-C-T.
Other names: c.4693C>T, p.Pro1565Ser (NM_001278074.1); c.4693C>T (NM_000093.3); short protein forms P1565S.
Identifiers: ClinVar variation 569494 (VCV000569494.9), dbSNP rs770278589, ClinGen allele CA5320422.

ClinVar aggregate classification (germline): Conflicting classifications of pathogenicity. Review status: criteria provided, conflicting classifications (1 of 4 stars). 2 submissions from 2 submitters: Uncertain significance (1); Benign (1). Last evaluated 2026-04-11.

Conditions:
Ehlers-Danlos syndrome, classic type, 1 (EDSCL1). Also called: Ehlers-Danlos Syndrome, Classic Type, COL5A1-Related; EDS I; Ehlers-Danlos syndrome, type 1; EHLERS-DANLOS SYNDROME, GRAVIS TYPE; EHLERS-DANLOS SYNDROME, SEVERE CLASSIC TYPE. Identifiers: MedGen C0268335, MONDO:0019567, OMIM 130000.
Familial thoracic aortic aneurysm and aortic dissection (TAAD). Also called: Thoracic aortic aneurysms and dissections. Identifiers: Orphanet 91387, MedGen C4707243, MONDO:0019625.

Allele frequency attached by ClinVar (database versions not stated): gnomAD 0.00001; TOPMed below 0.00001; gnomAD exomes below 0.00001; ExAC 0.00001.
gnomAD v4.1: 8 of 1,614,056 alleles (0.0005%); highest among the groups gnomAD compares: African/African-American, 0.0067%; no homozygotes.

Submissions (2):

Ambry Genetics
Classification: Uncertain significance for Familial thoracic aortic aneurysm and aortic dissection. Last evaluated: 2026-04-11. Review status: criteria provided, single submitter. Criteria: Ambry Variant Classification Scheme 2023. Collection method: clinical testing. Allele origin: germline.
Comment: The c.4693C>T (p.P1565S) alteration is located in exon 61 (coding exon 61) of the COL5A1 gene. This alteration results from a C to T substitution at nucleotide position 4693, causing the proline (P) at amino acid position 1565 to be replaced by a serine (S). Based on data from gnomAD, the T allele has an overall frequency of 0.001% (2/282610) total alleles studied. The highest observed frequency was 0.004% (1/24874) of African alleles. Based on insufficient or conflicting evidence, the clinical significance of this alteration remains unclear.

Labcorp Genetics (formerly Invitae), Labcorp
Classification: Benign for Ehlers-Danlos syndrome, classic type, 1. Last evaluated: 2025-01-19. Review status: criteria provided, single submitter. Criteria: Invitae Variant Classification Sherloc (09022015). Collection method: clinical testing. Allele origin: germline.